The following is an entry in ClinVar:

ClinVar aggregate classification (germline): Conflicting classifications of pathogenicity. Review status: criteria provided, conflicting classifications (1 of 4 stars). 3 submissions from 3 submitters: Likely pathogenic (2); Uncertain significance (1). Last evaluated 2026-03-18.

Conditions:
Proteinuria, chronic benign. Identifiers: MedGen C5394384, MONDO:0030042, OMIM 618884.
Imerslund-Grasbeck syndrome type 1 (IGS1). Also called: MEGALOBLASTIC ANEMIA, 1; Megaloblastic anemia 1, Finnish type; Imerslund-Gräsbeck syndrome 1. Identifiers: MedGen C4016819, MONDO:0100156, OMIM 261100.
Imerslund-Grasbeck syndrome. Also called: PERNICIOUS ANEMIA, JUVENILE, DUE TO SELECTIVE INTESTINAL MALABSORPTION OF VITAMIN B12, WITH PROTEINURIA; Imerslund-Gräsbeck syndrome; ENTEROCYTE COBALAMIN MALABSORPTION; ENTEROCYTE INTRINSIC FACTOR RECEPTOR, DEFECT OF; Megaloblastic anemia due to inborn errors of metabolism. Identifiers: Orphanet 35858, MedGen C4551825, MONDO:0009853.

Allele frequency attached by ClinVar (database versions not stated): ExAC 0.00001; gnomAD 0.00001; gnomAD exomes 0.00001 and 0.00003; TOPMed 0.00003.

Submissions (3):

GeneDx
Classification: Uncertain significance. Last evaluated: 2026-03-18. Review status: criteria provided, single submitter. Criteria: GeneDx Variant Classification Process June 2021. Collection method: clinical testing. Allele origin: germline.
Comment: Canonical splice site variant predicted to result in an in-frame loss of the adjacent exon in a gene for which loss of function is a known mechanism of disease; Has not been previously published as pathogenic or benign to our knowledge

Labcorp Genetics (formerly Invitae), Labcorp
Classification: Likely pathogenic for Imerslund-Grasbeck syndrome. Last evaluated: 2026-01-12. Review status: criteria provided, single submitter. Criteria: Invitae Variant Classification Sherloc (09022015). Collection method: clinical testing. Allele origin: germline.
Comment: This sequence change affects a splice site in intron 32 of the CUBN gene. It is expected to disrupt RNA splicing. Variants that disrupt the donor or acceptor splice site typically lead to a loss of protein function (PMID: 16199547), and loss-of-function variants in CUBN are known to be pathogenic (PMID: 15024727, 22929189, 25349199, 31613795, 34979989). This variant is present in population databases (rs750520309, gnomAD 0.02%). This variant has not been reported in the literature in individuals affected with CUBN-related conditions. ClinVar contains an entry for this variant (Variation ID: 1495871). Algorithms developed to predict the effect of sequence changes on RNA splicing suggest that this variant may disrupt the consensus splice site. In summary, the currently available evidence indicates that the variant is pathogenic, but additional data are needed to prove that conclusively. Therefore, this variant has been classified as Likely Pathogenic.

Fulgent Genetics
Classification: Likely pathogenic for Imerslund-Grasbeck syndrome type 1; Proteinuria, chronic benign. Last evaluated: 2024-05-16. Review status: criteria provided, single submitter. Criteria: ACMG Guidelines, 2015. Collection method: clinical testing. Allele origin: germline.

Literature cited by the submitters: PubMed 16199547 (cited by Labcorp Genetics (formerly Invitae), Labcorp); PubMed 15024727 (cited by Labcorp Genetics (formerly Invitae), Labcorp); PubMed 22929189 (cited by Labcorp Genetics (formerly Invitae), Labcorp); PubMed 25349199 (cited by Labcorp Genetics (formerly Invitae), Labcorp); PubMed 31613795 (cited by Labcorp Genetics (formerly Invitae), Labcorp); PubMed 34979989 (cited by Labcorp Genetics (formerly Invitae), Labcorp).

NM_001081.4(CUBN):c.4856-1del

Gene: CUBN (cubilin; minus strand). Cytogenetic location: 10p13.
Variant type: Deletion.
Coding change: c.4856-1del on transcript NM_001081.4 (MANE Select); the canonical splice acceptor site of the intron before coding-DNA position 4856, one base deleted (G; older notation c.4856-1delG).
Molecular consequence: splice acceptor variant.
Genome position (GRCh38, 1-based): chr10:16,952,390, C deleted on the plus strand (G on the coding strand, the reverse complement: CUBN is on the minus strand). VCF-style (leftmost placement, unchanged base first): chr10-16952389-GC-G. GRCh37 (hg19) VCF-style: chr10-16994388-GC-G.
Identifiers: ClinVar variation 1495871 (VCV001495871.8), dbSNP rs750520309, ClinGen allele CA5424223.
Genomic context (GRCh38, chr10:16,952,389, plus strand): 5'-GCAGGGAACCGTGGAGAGGAAACAGTATCAAATGAGCTGGTGAGGATGTGGCCTCCGCAG[GC>G]TGGGGAACACACAAACACACATACATGTCATATGCTTTTCATTTCTACTGACCGTACAAA-3'